The following is an entry in ClinVar:

NM_006312.6(NCOR2):c.4776C>T (p.Ile1592=)

Gene: NCOR2 (nuclear receptor corepressor 2; minus strand). Cytogenetic location: 12q24.31.
Variant type: single nucleotide variant.
Coding change: c.4776C>T on transcript NM_006312.6 (MANE Select); coding-DNA position 4776, C replaced by T.
Protein change: p.Ile1592=; no amino-acid change (isoleucine 1592 retained).
Molecular consequence: synonymous variant.
Genome position (GRCh38, 1-based): chr12:124,343,165, G>A on the plus strand (C>T on the coding strand, the complement: NCOR2 is on the minus strand). VCF-style: chr12-124343165-G-A. GRCh37 (hg19) VCF-style: chr12-124827711-G-A.
Other names: c.4746C>T, p.Ile1582= (NM_001077261.4, NM_001206654.2).
Identifiers: ClinVar variation 3034206 (VCV003034206.2), dbSNP rs2228588, ClinGen allele CA6868185.

ClinVar aggregate classification (germline): Benign (0 of 4 stars; one submission).

Conditions:
NCOR2-related disorder. Also called: NCOR2-related condition.

Allele frequency attached by ClinVar (database versions not stated): ExAC 0.00185; ESP Exome Variant Server 0.00583; 1000 Genomes Project 0.00639; gnomAD 0.00647; 1000 Genomes Project 30x 0.00656; TOPMed 0.00720.
gnomAD v4.1: 1,849 of 1,610,518 alleles (0.11%); highest among the groups gnomAD compares: African/African-American, 2.1%; 16 homozygotes.

Submission:

PreventionGenetics, part of Exact Sciences
Classification: Benign for NCOR2-related condition. Last evaluated: 2019-06-12. Review status: no assertion criteria provided. Collection method: clinical testing. Allele origin: germline.
Comment: This variant is classified as benign based on ACMG/AMP sequence variant interpretation guidelines (Richards et al. 2015 PMID: 25741868, with internal and published modifications).